The following is an entry in ClinVar:

NM_001145319.2(PLS1):c.988A>C (p.Asn330His)

Gene: PLS1 (plastin 1; plus strand). Cytogenetic location: 3q23.
Variant type: single nucleotide variant.
Coding change: c.988A>C on transcript NM_001145319.2 (MANE Select); coding-DNA position 988, A replaced by C.
Protein change: p.Asn330His; replaces asparagine 330 with histidine.
Molecular consequence: missense variant.
Genome position (GRCh38, 1-based): chr3:142,689,624, A>C. VCF-style: chr3-142689624-A-C. GRCh37 (hg19) VCF-style: chr3-142408466-A-C.
Other names: c.988A>C, p.Asn330His (NM_001172312.2, NM_002670.3); short protein forms N330H.
Identifiers: ClinVar variation 4082974 (VCV004082974.1).

ClinVar aggregate classification (germline): Uncertain significance (1 of 4 stars; one submission).

gnomAD v4.1: 1 of 1,550,226 alleles (0.000065%); highest among the groups gnomAD compares: Admixed American, 0.0021%; no homozygotes.

Submission:

GeneDx
Classification: Uncertain significance. Last evaluated: 2025-03-07. Review status: criteria provided, single submitter. Criteria: GeneDx Variant Classification Process June 2021. Collection method: clinical testing. Allele origin: germline. Affected: yes.
Comment: Not observed at significant frequency in large population cohorts (gnomAD); In silico analysis supports that this missense variant has a deleterious effect on protein structure/function; Has not been previously published as pathogenic or benign to our knowledge